The following is an entry in ClinVar:

NM_033223.5(GABRG3):c.697G>A (p.Val233Met)

Gene: GABRG3 (gamma-aminobutyric acid type A receptor subunit gamma3; plus strand). Cytogenetic location: 15q12.
Variant type: single nucleotide variant.
Coding change: c.697G>A on transcript NM_033223.5 (MANE Select); coding-DNA position 697, G replaced by A.
Protein change: p.Val233Met; replaces valine 233 with methionine.
Molecular consequence: missense variant.
Genome position (GRCh38, 1-based): chr15:27,480,772, G>A. VCF-style: chr15-27480772-G-A. GRCh37 (hg19) VCF-style: chr15-27725918-G-A.
Other names: c.697G>A, p.Val233Met (NM_001270873.2); short protein forms V233M.
Identifiers: ClinVar variation 3035580 (VCV003035580.2), dbSNP rs201602655, ClinGen allele CA7438307.
Genomic context (GRCh38, chr15:27,480,772, plus strand): 5'-CAGAAATCATGGCGGCTTTATCAGTTTGACTTCATGGGCCTCAGAAACACCACAGAAATC[G>A]TGACAACGTCTGCAGGTAGGAATTTACTGAAAGAGGCACAGCTCTCAAAAGCCAGAGAGG-3'
Protein context (NP_150092.2, residues 223-243): FMGLRNTTEI[Val233Met]TTSAGDYVVM

ClinVar aggregate classification (germline): Likely benign (0 of 4 stars; one submission).

Conditions:
GABRG3-related disorder. Also called: GABRG3-related condition.

Allele frequency attached by ClinVar (database versions not stated): gnomAD exomes 0.00016; ESP Exome Variant Server 0.00025; gnomAD 0.00049; ExAC 0.00055; TOPMed 0.00060; 1000 Genomes Project 30x 0.00172; 1000 Genomes Project 0.00180.
gnomAD v4.1: 328 of 1,613,704 alleles (0.02%); highest among the groups gnomAD compares: East Asian, 0.44%; no homozygotes.

Submission:

PreventionGenetics, part of Exact Sciences
Classification: Likely benign for GABRG3-related condition. Last evaluated: 2022-11-11. Review status: no assertion criteria provided. Collection method: clinical testing. Allele origin: germline.
Comment: This variant is classified as likely benign based on ACMG/AMP sequence variant interpretation guidelines (Richards et al. 2015 PMID: 25741868, with internal and published modifications).